The following is an entry in ClinVar:

ClinVar aggregate classification (germline): Uncertain significance (1 of 4 stars; one submission).

Conditions:
Baller-Gerold syndrome (BGS). Also called: CRANIOSYNOSTOSIS WITH RADIAL DEFECTS. Identifiers: Orphanet 1225, MedGen C0265308, MONDO:0009039, OMIM 218600.

Allele frequency attached by ClinVar (database versions not stated): gnomAD 0.00002; ExAC 0.00004; TOPMed 0.00004.
gnomAD v4.1: 40 of 1,609,572 alleles (0.0025%); highest among the groups gnomAD compares: Non-Finnish European, 0.003%; no homozygotes.

Submission:

Labcorp Genetics (formerly Invitae), Labcorp
Classification: Uncertain significance for Baller-Gerold syndrome. Last evaluated: 2025-08-07. Review status: criteria provided, single submitter. Criteria: Invitae Variant Classification Sherloc (09022015). Collection method: clinical testing. Allele origin: germline.
Comment: This sequence change replaces arginine, which is basic and polar, with glutamine, which is neutral and polar, at codon 262 of the RECQL4 protein (p.Arg262Gln). This variant is present in population databases (rs781569277, gnomAD 0.006%). This variant has not been reported in the literature in individuals affected with RECQL4-related conditions. ClinVar contains an entry for this variant (Variation ID: 459515). Invitae Evidence Modeling of protein sequence and biophysical properties (such as structural, functional, and spatial information, amino acid conservation, physicochemical variation, residue mobility, and thermodynamic stability) indicates that this missense variant is not expected to disrupt RECQL4 protein function with a negative predictive value of 80%. In summary, the available evidence is currently insufficient to determine the role of this variant in disease. Therefore, it has been classified as a Variant of Uncertain Significance.

NM_004260.4(RECQL4):c.785G>A (p.Arg262Gln)

Gene: RECQL4 (RecQ like helicase 4; minus strand). Cytogenetic location: 8q24.3.
Variant type: single nucleotide variant.
Coding change: c.785G>A on transcript NM_004260.4 (MANE Select); coding-DNA position 785, G replaced by A.
Protein change: p.Arg262Gln; replaces arginine 262 with glutamine.
Molecular consequence: missense variant.
Genome position (GRCh38, 1-based): chr8:144,516,334, C>T on the plus strand (G>A on the coding strand, the complement: RECQL4 is on the minus strand). VCF-style: chr8-144516334-C-T. GRCh37 (hg19) VCF-style: chr8-145741718-C-T.
Other names: short protein forms R262Q.
Identifiers: ClinVar variation 459515 (VCV000459515.8), dbSNP rs781569277, ClinGen allele CA4949178.